The following is an entry in ClinVar:

ClinVar aggregate classification (germline): Likely benign. Review status: reviewed by expert panel (3 of 4 stars). 2 submissions from 2 submitters: Likely benign (1). 1 of the submissions does not count toward it. Last evaluated 2024-06-24.

Conditions:
Hereditary thrombocytopenia and hematologic cancer predisposition syndrome. Identifiers: Orphanet 71290, MedGen CN281654, MONDO:0011071.
Hereditary thrombocytopenia and hematological cancer predisposition syndrome associated with RUNX1. Also called: RUNX1 Familial Platelet Disorder with Associated Myeloid Malignancies; Familial Platelet Disorder with Propensity to Acute Myelogenous Leukemia; Familial thrombocytopenia with propensity to acute myelogenous leukemia; PLATELET DISORDER, ASPIRIN-LIKE. Identifiers: Orphanet 71290, MedGen C1832388, MeSH C563324, MONDO:0100083, OMIM 601399.

Submissions (2):

ClinGen Myeloid Malignancy Variant Curation Expert Panel
Classification: Likely benign for Hereditary thrombocytopenia and hematologic cancer predisposition syndrome. Last evaluated: 2024-06-24. Review status: reviewed by expert panel. Criteria: ClinGen MyeloMalig ACMG Specifications v2. Collection method: curation. Allele origin: germline. Inheritance: Autosomal dominant inheritance.
Comment: NM_001754.5(RUNX1):c.613+14C>G is an intronic variant. This variant is absent from gnomAD v2.1.1 (mean depth of coverage > 60) and from gnomAD v3.1.1 (mean depth of coverage 30) (PM2_Supporting). It is not predicted by SpliceAI to impact splicing (≤0.20). In addition, it occurs at a nucleotide that is not conserved as shown by phyloP100 (0.09) (BP4, BP7). In summary, this variant meets criteria to be classified as likely benign. ACMG/AMP criteria applied, as specified by the Myeloid Malignancy Variant Curation Expert Panel for RUNX1: BP4, BP7, PM2_supporting.

Labcorp Genetics (formerly Invitae), Labcorp
Classification: Likely benign for Hereditary thrombocytopenia and hematological cancer predisposition syndrome associated with RUNX1. Last evaluated: 2022-05-20. Review status: criteria provided, single submitter. Criteria: Invitae Variant Classification Sherloc (09022015). Collection method: clinical testing. Allele origin: germline. Not counted in ClinVar's aggregate classification.

NM_001754.5(RUNX1):c.613+14C>G

Genes: RUNX1 (RUNX family transcription factor 1; minus strand), RUNX1-AS1 (RUNX1 antisense RNA 1; plus strand). Cytogenetic location: 21q22.12.
Variant type: single nucleotide variant.
Coding change: c.613+14C>G on transcript NM_001754.5 (MANE Select); 14 bases into the intron after coding-DNA position 613, C replaced by G.
Molecular consequence: intron variant.
Genome position (GRCh38, 1-based): chr21:34,859,460, G>C on the plus strand (C>G on the coding strand, the complement: RUNX1 is on the minus strand). VCF-style: chr21-34859460-G-C. GRCh37 (hg19) VCF-style: chr21-36231757-G-C.
Other names: c.532+14C>G (NM_001001890.3, NM_001122607.2).
Identifiers: ClinVar variation 1597566 (VCV001597566.9), dbSNP rs2146234005, ClinGen allele CA2573157345.